The following is an entry in ClinVar:

NM_001330239.4(TJP1):c.822T>C (p.Leu274=)

Genes: TJP1 (tight junction protein 1; minus strand), LOC126862086 (CDK7 strongly-dependent group 2 enhancer GRCh37_chr15:30052673-30053872; plus strand). Cytogenetic location: 15q13.1.
Variant type: single nucleotide variant.
Coding change: c.822T>C on transcript NM_001330239.4 (MANE Select); coding-DNA position 822, T replaced by C.
Protein change: p.Leu274=; no amino-acid change (leucine 274 retained).
Molecular consequence: synonymous variant.
Genome position (GRCh38, 1-based): chr15:29,761,641, A>G on the plus strand (T>C on the coding strand, the complement: TJP1 is on the minus strand). VCF-style: chr15-29761641-A-G. GRCh37 (hg19) VCF-style: chr15-30053844-A-G.
Other names: c.1101T>C, p.Leu367= (NM_001301025.3, NM_001355012.2); c.834T>C, p.Leu278= (NM_001301026.2, NM_001355013.1); c.822T>C, p.Leu274= (NM_001355014.2, NM_001355015.2, NM_003257.5 and 1 more transcripts).
Identifiers: ClinVar variation 3041919 (VCV003041919.2), dbSNP rs17671751, ClinGen allele CA7447461.

ClinVar aggregate classification (germline): Benign (0 of 4 stars; one submission).

Conditions:
TJP1-related disorder. Also called: TJP1-related condition.

Allele frequency attached by ClinVar (database versions not stated): 1000 Genomes Project 0.00899; 1000 Genomes Project 30x 0.00984; ESP Exome Variant Server 0.01234; TOPMed 0.01331; gnomAD exomes 0.01720.
gnomAD v4.1: 27,351 of 1,607,072 alleles (1.7%); highest among the groups gnomAD compares: Middle Eastern, 2.6%; 300 homozygotes.

Submission:

PreventionGenetics, part of Exact Sciences
Classification: Benign for TJP1-related condition. Last evaluated: 2019-05-27. Review status: no assertion criteria provided. Collection method: clinical testing. Allele origin: germline.
Comment: This variant is classified as benign based on ACMG/AMP sequence variant interpretation guidelines (Richards et al. 2015 PMID: 25741868, with internal and published modifications).